The following is an entry in ClinVar:

ClinVar aggregate classification (germline): Uncertain significance. Review status: criteria provided, multiple submitters, no conflicts (2 of 4 stars). 2 submissions from 2 submitters: Uncertain significance (2). Last evaluated 2024-10-24.

Conditions:
Cardiovascular phenotype. Identifiers: MedGen CN230736.

Allele frequency attached by ClinVar (database versions not stated): gnomAD exomes below 0.00001 and 0.00001; gnomAD 0.00001; TOPMed 0.00002.
gnomAD v4.1: 7 of 1,541,220 alleles (0.00045%); highest among the groups gnomAD compares: Admixed American, 0.0039%; no homozygotes.

Submissions (2):

Ambry Genetics
Classification: Uncertain significance for Cardiovascular phenotype. Last evaluated: 2024-10-24. Review status: criteria provided, single submitter. Criteria: Ambry Variant Classification Scheme 2023. Collection method: clinical testing. Allele origin: germline.
Comment: The p.R3084Q variant (also known as c.9251G>A), located in coding exon 2 of the ZNF469 gene, results from a G to A substitution at nucleotide position 9251. The arginine at codon 3084 is replaced by glutamine, an amino acid with highly similar properties. This amino acid position is not well conserved in available vertebrate species, and glutamine is the reference amino acid in other vertebrate species. In addition, this alteration is predicted to be tolerated by in silico analysis. Since supporting evidence is limited at this time, the clinical significance of this alteration remains unclear.

GeneDx
Classification: Uncertain significance. Last evaluated: 2017-01-26. Review status: criteria provided, single submitter. Criteria: GeneDx Variant Classification (06012015). Collection method: clinical testing. Allele origin: germline. Affected: yes.
Comment: A variant of uncertain significance has been identified in the ZNF469 gene. The R3084Q variant has not been published as pathogenic or been reported as benign to our knowledge. Data from control individuals was not available to assess whether this may be a common benign variant in the general population. The R3084Q variant is a semi-conservative amino acid substitution, which may impact secondary protein structure as these residues differ in some properties. However, this substitution occurs at a position that is not conserved across species and where glutamine is the wild type in multiple species. Finally, in silico analysis suggests that this variant likely does not alter the protein structure/function.

NM_001367624.2(ZNF469):c.9335G>A (p.Arg3112Gln)

Gene: ZNF469 (zinc finger protein 469; plus strand). Cytogenetic location: 16q24.2.
Variant type: single nucleotide variant.
Coding change: c.9335G>A on transcript NM_001367624.2 (MANE Select); coding-DNA position 9335, G replaced by A.
Protein change: p.Arg3112Gln; replaces arginine 3112 with glutamine.
Molecular consequence: missense variant.
Genome position (GRCh38, 1-based): chr16:88,436,805, G>A. VCF-style: chr16-88436805-G-A. GRCh37 (hg19) VCF-style: chr16-88503213-G-A.
Other names: NM_001127464.1:c.9251G>A; short protein forms R3112Q.
Identifiers: ClinVar variation 393189 (VCV000393189.4), dbSNP rs942909542, ClinGen allele CA16607521.